The following is an entry in ClinVar:

ClinVar aggregate classification (germline): Uncertain significance (1 of 4 stars; one submission).

Conditions:
Early-infantile DEE. Also called: Early infantile epileptic encephalopathy; Early infantile epileptic encephalopathy with suppression bursts; Ohtahara syndrome. Identifiers: Orphanet 1934, MedGen C0393706, MONDO:0800491.

Submission:

Labcorp Genetics (formerly Invitae), Labcorp
Classification: Uncertain significance for Early-infantile DEE. Last evaluated: 2025-11-19. Review status: criteria provided, single submitter. Criteria: Invitae Variant Classification Sherloc (09022015). Collection method: clinical testing. Allele origin: germline.
Comment: This sequence change replaces asparagine, which is neutral and polar, with threonine, which is neutral and polar, at codon 798 of the KCNH5 protein (p.Asn798Thr). This variant is not present in population databases (gnomAD no frequency). This variant has not been reported in the literature in individuals affected with KCNH5-related conditions. Invitae Evidence Modeling of protein sequence and biophysical properties (such as structural, functional, and spatial information, amino acid conservation, physicochemical variation, residue mobility, and thermodynamic stability) indicates that this missense variant is not expected to disrupt KCNH5 protein function with a negative predictive value of 95%. In summary, the available evidence is currently insufficient to determine the role of this variant in disease. Therefore, it has been classified as a Variant of Uncertain Significance.

NM_139318.5(KCNH5):c.2393A>C (p.Asn798Thr)

Gene: KCNH5 (potassium voltage-gated channel subfamily H member 5; minus strand). Cytogenetic location: 14q23.2.
Variant type: single nucleotide variant.
Coding change: c.2393A>C on transcript NM_139318.5 (MANE Select); coding-DNA position 2393, A replaced by C.
Protein change: p.Asn798Thr; replaces asparagine 798 with threonine.
Molecular consequence: missense variant. On other transcripts: 3 prime UTR variant (1).
Genome position (GRCh38, 1-based): chr14:62,708,082, T>G on the plus strand (A>C on the coding strand, the complement: KCNH5 is on the minus strand). VCF-style: chr14-62708082-T-G. GRCh37 (hg19) VCF-style: chr14-63174800-T-G.
Other names: c.*360A>C (NM_172375.3); short protein forms N798T.
Identifiers: ClinVar variation 4802001 (VCV004802001.1).